The following is an entry in ClinVar:

NM_002519.3(NPAT):c.2174C>G (p.Ser725Cys)

Gene: NPAT (nuclear protein, coactivator of histone transcription; minus strand). Cytogenetic location: 11q22.3.
Variant type: single nucleotide variant.
Coding change: c.2174C>G on transcript NM_002519.3 (MANE Select); coding-DNA position 2174, C replaced by G.
Protein change: p.Ser725Cys; replaces serine 725 with cysteine.
Molecular consequence: missense variant.
Genome position (GRCh38, 1-based): chr11:108,172,810, G>C on the plus strand (C>G on the coding strand, the complement: NPAT is on the minus strand). VCF-style: chr11-108172810-G-C. GRCh37 (hg19) VCF-style: chr11-108043537-G-C.
Other names: c.2174C>G, p.Ser725Cys (NM_001321307.1); short protein forms S725C.
Identifiers: ClinVar variation 2710922 (VCV002710922.3), dbSNP rs1156500774, ClinGen allele CA382513529.

ClinVar aggregate classification (germline): Uncertain significance (1 of 4 stars; one submission).

Allele frequency attached by ClinVar (database versions not stated): gnomAD 0.00001.

Submission:

Labcorp Genetics (formerly Invitae), Labcorp
Classification: Uncertain significance. Last evaluated: 2025-09-09. Review status: criteria provided, single submitter. Criteria: Invitae Variant Classification Sherloc (09022015). Collection method: clinical testing. Allele origin: germline.
Comment: This sequence change replaces serine, which is neutral and polar, with cysteine, which is neutral and slightly polar, at codon 725 of the NPAT protein (p.Ser725Cys). This variant is present in population databases (no rsID available, gnomAD 0.01%). This variant has not been reported in the literature in individuals affected with NPAT-related conditions. ClinVar contains an entry for this variant (Variation ID: 2710922). An algorithm developed to predict the effect of missense changes on protein structure and function (PolyPhen-2) suggests that this variant is likely to be tolerated. In summary, the available evidence is currently insufficient to determine the role of this variant in disease. Therefore, it has been classified as a Variant of Uncertain Significance.